The following is an entry in ClinVar:

ClinVar aggregate classification (germline): Conflicting classifications of pathogenicity. Review status: criteria provided, conflicting classifications (1 of 4 stars). 2 submissions from 2 submitters: Likely pathogenic (1); Uncertain significance (1). Last evaluated 2026-06-16.

Conditions:
WDR72-related disorder. Also called: WDR72-related condition.

Allele frequency attached by ClinVar (database versions not stated): gnomAD 0.00001; TOPMed 0.00002; ExAC 0.00003; gnomAD exomes 0.00004 and 0.00006.
gnomAD v4.1: 93 of 1,613,984 alleles (0.0058%); highest among the groups gnomAD compares: Non-Finnish European, 0.0074%; no homozygotes.

Submissions (2):

PreventionGenetics, part of Exact Sciences
Classification: Uncertain significance for WDR72-related condition. Last evaluated: 2026-06-16. Review status: criteria provided, single submitter. Criteria: ACMG Guidelines, 2015. Collection method: clinical testing. Allele origin: germline.
Comment: The WDR72 c.1739C>T variant is predicted to result in the amino acid substitution p.Ser580Leu. To our knowledge, this variant has not been reported in the literature in individuals with WDR72-related disease(s). This variant is reported in 0.0097% of alleles in individuals of European (Non-Finnish) descent in gnomAD. At this time, the clinical significance of this variant is uncertain due to the absence of conclusive functional and genetic evidence.

GeneDx
Classification: Likely pathogenic. Last evaluated: 2016-12-15. Review status: criteria provided, single submitter. Criteria: GeneDx Variant Classification (06012015). Collection method: clinical testing. Allele origin: germline. Affected: yes.
Comment: The S580L variant in the WDR72 gene has not been reported previously as a pathogenic variant, nor as a benign variant, to our knowledge. The S580L variant was not observed in approximately 6,500 individuals of European and African American ancestry in the NHLBI Exome Sequencing Project, indicating it is not a common benign variant in these populations. The S580L variant is a non-conservative amino acid substitution, which is likely to impact secondary protein structure as these residues differ in polarity, charge, size and/or other properties. This substitution occurs at a position that is conserved across species. In silico analysis predicts this variant is probably damaging to the protein structure/function. The S580L variant is a strong candidate for a pathogenic variant, however the possibility it may be a rare benign variant cannot be excluded.

NM_182758.4(WDR72):c.1739C>T (p.Ser580Leu)

Gene: WDR72 (WD repeat domain 72; minus strand). Cytogenetic location: 15q21.3.
Variant type: single nucleotide variant.
Coding change: c.1739C>T on transcript NM_182758.4 (MANE Select); coding-DNA position 1739, C replaced by T.
Protein change: p.Ser580Leu; replaces serine 580 with leucine.
Molecular consequence: missense variant. On other transcripts: non-coding transcript variant (1).
Genome position (GRCh38, 1-based): chr15:53,699,776, G>A on the plus strand (C>T on the coding strand, the complement: WDR72 is on the minus strand). VCF-style: chr15-53699776-G-A. GRCh37 (hg19) VCF-style: chr15-53991973-G-A.
Other names: short protein forms S580L.
Identifiers: ClinVar variation 391607 (VCV000391607.3), dbSNP rs774263130, ClinGen allele CA7571042.
Genomic context (GRCh38, chr15:53,699,776, plus strand): 5'-TATAAAGAATGAAAGGGATAAAATTTCAACTTACCTGTTTCAATTTCCCAGATATAAACT[G>A]AGTCATCTGCACATCCAACAATTAAAAAATTCTCAACCGGGTGCCATTTTATCATCCTCA-3'
Protein context (NP_877435.3, residues 570-590): NFLIVGCADD[Ser580Leu]VYIWEIETGT